The following is an entry in ClinVar:

NM_175914.5(HNF4A):c.*572C>A

Gene: HNF4A (hepatocyte nuclear factor 4 alpha; plus strand). Cytogenetic location: 20q13.12.
Variant type: single nucleotide variant.
Coding change: c.*572C>A on transcript NM_175914.5 (MANE Select); 572 bases downstream of the stop codon, C replaced by A.
Molecular consequence: 3 prime UTR variant.
Genome position (GRCh38, 1-based): chr20:44,430,237, C>A. VCF-style: chr20-44430237-C-A. GRCh37 (hg19) VCF-style: chr20-43058877-C-A.
Other names: c.*572C>A (NM_000457.6, NM_001030003.3, NM_001258355.2 and 3 more transcripts).
Identifiers: ClinVar variation 338444 (VCV000338444.6), dbSNP rs761017274, ClinGen allele CA10643888.

ClinVar aggregate classification (germline): Conflicting classifications of pathogenicity. Review status: criteria provided, conflicting classifications (1 of 4 stars). 3 submissions from 2 submitters: Uncertain significance (2); Benign (1). Last evaluated 2018-01-12.

Conditions:
Maturity-onset diabetes of the young type 1. Also called: MILD JUVENILE DIABETES MELLITUS; MODY, type I; MODY type 1; Diabetes mellitus MODY type 1; MODY HNF4A related; HNF4A-Related Maturity-Onset Diabetes of the Young Type 1. Identifiers: Orphanet 552, MedGen C1852093, MONDO:0007452, OMIM 125850. Disease mechanism: loss of function.
Maturity-onset diabetes of the young (MODY). Also called: Maturity onset diabetes mellitus in young. Identifiers: Orphanet 552, MedGen C0342276, MONDO:0018911, HP:0004904.
Familial hyperinsulinism. Also called: Congenital hyperinsulinism. Identifiers: Orphanet 276525, MedGen C3888018, MONDO:0017182. Disease mechanism: loss of function.

Allele frequency attached by ClinVar (database versions not stated): gnomAD 0.00003 and 0.00004.

Submissions (3):

Illumina Laboratory Services, Illumina
Classification: Uncertain significance for Familial hyperinsulinism. Last evaluated: 2018-01-12. Review status: criteria provided, single submitter. Criteria: ICSL Variant Classification Criteria 13 December 2019. Collection method: clinical testing. Allele origin: germline.

Illumina Laboratory Services, Illumina
Classification: Uncertain significance for Maturity-onset diabetes of the young type 1. Last evaluated: 2018-01-12. Review status: criteria provided, single submitter. Criteria: ICSL Variant Classification Criteria 13 December 2019. Collection method: clinical testing. Allele origin: germline.

Clinical Genomics, Uppaluri K&H Personalized Medicine Clinic
Classification: Benign for Maturity-onset diabetes of the young. Review status: criteria provided, single submitter. Criteria: K & H Uppaluri Personalized Medicine Clinic Variant Classification & Assertion Criteria_Updated V.1. Collection method: research. Allele origin: unknown. Inheritance: Autosomal dominant inheritance.
Comment: Potent mutations in HNF4A are associated with poor insulin secretion in response to hyperglycemia. Associated with MODY1. Patients initially respond well to sulfonylureas but eventually become insulin dependent. However, more evidence is required to ascertain the role of this particular variant rs761017274 in MODY, yet.

Literature cited by the submitters: DOI 10.1159/000334532 (cited by Clinical Genomics, Uppaluri K&H Personalized Medicine Clinic); PubMed 18268044 (cited by Clinical Genomics, Uppaluri K&H Personalized Medicine Clinic); PubMed 17563455 (cited by Clinical Genomics, Uppaluri K&H Personalized Medicine Clinic); PubMed 32583173 (cited by Clinical Genomics, Uppaluri K&H Personalized Medicine Clinic); PubMed 35052457 (cited by Clinical Genomics, Uppaluri K&H Personalized Medicine Clinic); PubMed 35118593 (cited by Clinical Genomics, Uppaluri K&H Personalized Medicine Clinic).